The following is an entry in ClinVar:

NM_001005242.3(PKP2):c.1130T>C (p.Ile377Thr)

Gene: PKP2 (plakophilin 2; minus strand). Cytogenetic location: 12p11.21.
Variant type: single nucleotide variant.
Coding change: c.1130T>C on transcript NM_001005242.3 (MANE Select); coding-DNA position 1130, T replaced by C.
Protein change: p.Ile377Thr; replaces isoleucine 377 with threonine.
Molecular consequence: missense variant.
Genome position (GRCh38, 1-based): chr12:32,868,967, A>G on the plus strand (T>C on the coding strand, the complement: PKP2 is on the minus strand). VCF-style: chr12-32868967-A-G. GRCh37 (hg19) VCF-style: chr12-33021901-A-G.
Other names: p.I377T:ATA>ACA; c.1130T>C, p.Ile377Thr (NM_004572.4); short protein forms I377T.
Identifiers: ClinVar variation 45009 (VCV000045009.19), dbSNP rs397516985, ClinGen allele CA010810.

ClinVar aggregate classification (germline): Uncertain significance. Review status: criteria provided, multiple submitters, no conflicts (2 of 4 stars). 6 submissions from 6 submitters: Uncertain significance (6). Last evaluated 2025-12-08.

Conditions:
Cardiovascular phenotype. Identifiers: MedGen CN230736.
Cardiomyopathy (CMYO). Also called: Cardiomyopathies. Identifiers: Orphanet 167848, MedGen C0878544, MONDO:0004994, HP:0001638. Inheritance: Various modes of inheritance.
Arrhythmogenic right ventricular dysplasia 9 (ARVD9). Also called: Arrhythmogenic Right Ventricular Dysplasia/Cardiomyopathy 9; ARRHYTHMOGENIC RIGHT VENTRICULAR DYSPLASIA, FAMILIAL, 9. Identifiers: MedGen C1836906, MONDO:0012180, OMIM 609040.

Allele frequency attached by ClinVar (database versions not stated): TOPMed below 0.00001; ExAC 0.00001; gnomAD 0.00001; gnomAD exomes 0.00001.
gnomAD v4.1: 16 of 1,613,848 alleles (0.00099%); highest among the groups gnomAD compares: African/African-American, 0.0013%; no homozygotes.

Submissions (6):

Labcorp Genetics (formerly Invitae), Labcorp
Classification: Uncertain significance for Arrhythmogenic right ventricular dysplasia 9. Last evaluated: 2025-12-08. Review status: criteria provided, single submitter. Criteria: Invitae Variant Classification Sherloc (09022015). Collection method: clinical testing. Allele origin: germline.
Comment: This sequence change replaces isoleucine, which is neutral and non-polar, with threonine, which is neutral and polar, at codon 377 of the PKP2 protein (p.Ile377Thr). This variant is present in population databases (rs397516985, gnomAD 0.007%). This missense change has been observed in individual(s) with arrhythmogenic right ventricular cardiomyopathy and/or PKP2-related conditions (PMID: 34120153; internal data). ClinVar contains an entry for this variant (Variation ID: 45009). An algorithm developed to predict the effect of missense changes on protein structure and function (PolyPhen-2) suggests that this variant is likely to be disruptive. In summary, the available evidence is currently insufficient to determine the role of this variant in disease. Therefore, it has been classified as a Variant of Uncertain Significance.

Color Diagnostics, LLC DBA Color Health
Classification: Uncertain significance for Cardiomyopathy. Last evaluated: 2025-07-01. Review status: criteria provided, single submitter. Criteria: ACMG Guidelines, 2015. Collection method: clinical testing. Allele origin: germline.
Comment: This missense variant replaces isoleucine with threonine at codon 377 of the PKP2 protein. Computational prediction suggests that this variant may not impact protein structure and function. To our knowledge, functional studies have not been reported for this variant. This variant has been reported in an individual affected with arrhythmogenic cardiomyopathy (PMID: 32268277) and in another individual affected with an unspecified cardiomyopathy (PMID: 37477868). This variant has been identified in 1/31416 chromosomes in the general population by the Genome Aggregation Database (gnomAD). The available evidence is insufficient to determine the role of this variant in disease conclusively. Therefore, this variant is classified as a Variant of Uncertain Significance.

Duke University Health System Sequencing Clinic, Duke University Health System
Classification: Uncertain significance for Arrhythmogenic right ventricular dysplasia 9. Last evaluated: 2023-04-20. Review status: criteria provided, single submitter. Criteria: ACMG Guidelines, 2015. Collection method: research. Allele origin: unknown. Affected: yes.

GeneDx
Classification: Uncertain significance. Last evaluated: 2021-09-21. Review status: criteria provided, single submitter. Criteria: GeneDx Variant Classification Process June 2021. Collection method: clinical testing. Allele origin: germline. Affected: yes.
Comment: Has not been previously published as pathogenic or benign to our knowledge; Reported in ClinVar as a variant of uncertain significance but additional evidence is not available (ClinVar Variant ID# 45009; Landrum et al., 2016); Not observed at a significant frequency in large population cohorts (Lek et al., 2016); In silico analysis, which includes protein predictors and evolutionary conservation, supports a deleterious effect

Ambry Genetics
Classification: Uncertain significance for Cardiovascular phenotype. Last evaluated: 2020-04-22. Review status: criteria provided, single submitter. Criteria: Ambry Variant Classification Scheme 2023. Collection method: clinical testing. Allele origin: germline.

Laboratory for Molecular Medicine, Mass General Brigham Personalized Medicine
Classification: Uncertain significance. Last evaluated: 2012-05-25. Review status: criteria provided, single submitter. Criteria: LMM Criteria. Collection method: clinical testing. Allele origin: germline. Observed: 1 variant allele.
Comment: Variant classified as Uncertain Significance - Favor Pathogenic. The Ile377Thr v ariant (PKP2) has not been reported in the literature nor previously identified by our laboratory. Computational analyses (biochemical amino acid properties, co nservation, AlignGVGD, PolyPhen2, and SIFT) suggest that the Ile377Thr variant m ay impact the protein, though this information is not predictive enough to deter mine pathogenicity. This variant has not been identified in large and broad popu lations by the NHBLI Exome Sequencing Project . Although computational predictions and absence in the general population suppo rt that the Ile377Thr variant may be pathogenic, additional studies are needed t o fully assess its clinical significance.

Literature cited by the submitters: PubMed 34120153 (cited by Labcorp Genetics (formerly Invitae), Labcorp); PubMed 32268277 (cited by Color Diagnostics, LLC DBA Color Health); PubMed 37477868 (cited by Color Diagnostics, LLC DBA Color Health).